The following is an entry in ClinVar:

NM_000219.6(KCNE1):c.370G>C (p.Glu124Gln)

Gene: KCNE1 (potassium voltage-gated channel subfamily E regulatory subunit 1; minus strand). Cytogenetic location: 21q22.12.
Variant type: single nucleotide variant.
Coding change: c.370G>C on transcript NM_000219.6 (MANE Select); coding-DNA position 370, G replaced by C.
Protein change: p.Glu124Gln; replaces glutamic acid 124 with glutamine.
Molecular consequence: missense variant.
Genome position (GRCh38, 1-based): chr21:34,449,265, C>G on the plus strand (G>C on the coding strand, the complement: KCNE1 is on the minus strand). VCF-style: chr21-34449265-C-G. GRCh37 (hg19) VCF-style: chr21-35821563-C-G.
Other names: c.370G>C, p.Glu124Gln (NM_001127668.4, NM_001127669.4, NM_001127670.4 and 4 more transcripts); short protein forms E124Q.
Identifiers: ClinVar variation 3373842 (VCV003373842.2).

Conditions:
Long QT syndrome 5 (LQT5). Identifiers: Orphanet 101016, Orphanet 768, MedGen C1867904, MONDO:0013372, OMIM 613695.

Submission:

Roden Lab, Vanderbilt University Medical Center
No classification provided (evidence only). Condition: Long QT syndrome 5. Review status: no classification provided. Collection method: in vitro. Allele origin: not applicable. Functional consequence: Effect on ion channel function.
ClinVar note: "not provided" was previously submitted as the classification for the variant. However, the classification appeared to be based only on an observation of functional data so it was converted to no classification on 2025-07-30.